The following is an entry in ClinVar:

ClinVar aggregate classification (germline): Uncertain significance. Review status: criteria provided, multiple submitters, no conflicts (2 of 4 stars). 4 submissions from 4 submitters: Uncertain significance (4). Last evaluated 2026-01-13.

Conditions:
Hereditary cancer-predisposing syndrome. Also called: Hereditary neoplastic syndrome; Tumor predisposition; Hereditary Cancer Syndrome; Neoplastic Syndromes, Hereditary. Identifiers: Orphanet 140162, MedGen C0027672, MeSH D009386, MONDO:0015356.
Neurofibromatosis, type 2 (SWNV). Also called: SCHWANNOMATOSIS, VESTIBULAR; BILATERAL ACOUSTIC NEUROFIBROMATOSIS; NF2-Related Schwannomatosis. Identifiers: Orphanet 637, MedGen C0027832, MONDO:0007039, OMIM 101000. Disease mechanism: loss of function.

Allele frequency attached by ClinVar (database versions not stated): gnomAD exomes below 0.00001; gnomAD 0.00001.

Submissions (4):

Ambry Genetics
Classification: Uncertain significance for Hereditary cancer-predisposing syndrome. Last evaluated: 2026-01-13. Review status: criteria provided, single submitter. Criteria: Ambry Variant Classification Scheme 2023. Collection method: clinical testing. Allele origin: germline.
Comment: The c.363+5A>G intronic variant results from an A to G substitution 5 nucleotides after coding exon 3 in the NF2 gene. This nucleotide position is not well conserved in available vertebrate species. In silico splice site analysis predicts that this alteration will not have any significant effect on splicing. Based on the available evidence, the clinical significance of this variant remains unclear.

Labcorp Genetics (formerly Invitae), Labcorp
Classification: Uncertain significance for Neurofibromatosis, type 2. Last evaluated: 2025-11-10. Review status: criteria provided, single submitter. Criteria: Invitae Variant Classification Sherloc (09022015). Collection method: clinical testing. Allele origin: germline.
Comment: This sequence change falls in intron 3 of the NF2 gene. It does not directly change the encoded amino acid sequence of the NF2 protein. It affects a nucleotide within the consensus splice site. This variant is present in population databases (no rsID available, gnomAD 0.01%). This variant has not been reported in the literature in individuals affected with NF2-related conditions. ClinVar contains an entry for this variant (Variation ID: 1435688). Variants that disrupt the consensus splice site are a relatively common cause of aberrant splicing (PMID: 17576681, 9536098). Algorithms developed to predict the effect of sequence changes on RNA splicing suggest that this variant is not likely to affect RNA splicing. In summary, the available evidence is currently insufficient to determine the role of this variant in disease. Therefore, it has been classified as a Variant of Uncertain Significance.

All of Us Research Program, National Institutes of Health
Classification: Uncertain significance for Neurofibromatosis, type 2. Last evaluated: 2023-10-23. Review status: criteria provided, single submitter. Criteria: ACMG Guidelines, 2015. Collection method: clinical testing. Allele origin: germline. Inheritance: Autosomal dominant inheritance. Observed: 1 variant allele, 1 heterozygote.
Comment: This variant causes an A to G nucleotide substitution at the +5 position of intron 3 of the NF2 gene. To our knowledge, functional studies have not been reported for this variant. This variant has not been reported in individuals affected with NF2-related disorders in the literature. This variant has not been identified in the general population by the Genome Aggregation Database (gnomAD). The available evidence is insufficient to determine the role of this variant in disease conclusively. Therefore, this variant is classified as a Variant of Uncertain Significance.

This study involves interpretation of variants in research participants for the purpose of population health screening. Participant phenotype was not available at the time of variant classification. Additional details can be found in publication PMID: 35346344, PMCID: PMC8962531

CeGaT Center for Human Genetics Tuebingen
Classification: Uncertain significance. Last evaluated: 2022-05-01. Review status: criteria provided, single submitter. Criteria: CeGaT Center For Human Genetics Tuebingen Variant Classification Criteria Version 2. Collection method: clinical testing. Allele origin: germline. Affected: yes. Observed: 1 variant allele.
Comment: NF2: PM2:Supporting, BP4

Literature cited by the submitters: PubMed 17576681 (cited by Labcorp Genetics (formerly Invitae), Labcorp); PubMed 9536098 (cited by Labcorp Genetics (formerly Invitae), Labcorp).

NM_000268.4(NF2):c.363+5A>G

Gene: NF2 (NF2, moesin-ezrin-radixin like (MERLIN) tumor suppressor; plus strand). Cytogenetic location: 22q12.2.
Variant type: single nucleotide variant.
Coding change: c.363+5A>G on transcript NM_000268.4 (MANE Select); 5 bases into the intron after coding-DNA position 363, A replaced by G.
Molecular consequence: intron variant.
Genome position (GRCh38, 1-based): chr22:29,639,217, A>G. VCF-style: chr22-29639217-A-G. GRCh37 (hg19) VCF-style: chr22-30035206-A-G.
Other names: c.363+5A>G (NM_000268.3, NM_016418.5, NM_181832.3 and 2 more transcripts); c.240+2341A>G (NM_181829.3); c.237+5A>G (NM_181828.3); c.115-2985A>G (NM_181830.3, NM_181831.3).
Identifiers: ClinVar variation 1435688 (VCV001435688.37), dbSNP rs1361659919, ClinGen allele CA638990722.